The following is an entry in ClinVar:

NM_015910.7(WDPCP):c.1748+18340G>A

Gene: WDPCP (WD repeat containing planar cell polarity effector; minus strand). Cytogenetic location: 2p15.
Variant type: single nucleotide variant.
Coding change: c.1748+18340G>A on transcript NM_015910.7 (MANE Select); 18340 bases into the intron after coding-DNA position 1748, G replaced by A.
Molecular consequence: intron variant. On other transcripts: synonymous variant (1).
Genome position (GRCh38, 1-based): chr2:63,360,046, C>T on the plus strand (G>A on the coding strand, the complement: WDPCP is on the minus strand). VCF-style: chr2-63360046-C-T. GRCh37 (hg19) VCF-style: chr2-63587181-C-T.
Other names: c.1779G>A, p.Glu593= (NM_001354045.2); c.1676+18340G>A (NM_001354044.2); c.1271+18340G>A (NM_001042692.3).
Identifiers: ClinVar variation 3350348 (VCV003350348.1).
Genomic context (GRCh38, chr2:63,360,046, plus strand): 5'-AGAAGAATCGCTTGAACCCAGGAGATGGAGGTGGCAATGAACCGCGATCACATCACTGCA[C>T]TCCAGCCTGGGCGACAAGGCAAGACTCCATCTAAAAAAAAAAATTGTACTTTATAAAATA-3'

ClinVar aggregate classification (germline): Likely benign (0 of 4 stars; one submission).

Conditions:
WDPCP-related disorder. Also called: WDPCP-related condition.

gnomAD v4.1: 1 of 152,148 alleles (0.00066%); highest among the groups gnomAD compares: Non-Finnish European, 0.0015%; no homozygotes.

Submission:

PreventionGenetics, part of Exact Sciences
Classification: Likely benign for WDPCP-related condition. Last evaluated: 2024-03-22. Review status: no assertion criteria provided. Collection method: clinical testing. Allele origin: germline.
Comment: This variant is classified as likely benign based on ACMG/AMP sequence variant interpretation guidelines (Richards et al. 2015 PMID: 25741868, with internal and published modifications).